The following is an entry in ClinVar:

NC_000005.10:g.172325268C>G

Gene: SH3PXD2B (SH3 and PX domains 2B; minus strand). Cytogenetic location: 5q35.1.
Variant type: single nucleotide variant.
Molecular consequence: 3 prime UTR variant (on NM_001308175.2).
Genome position: GRCh38 VCF-style: chr5-172325268-C-G. GRCh37 (hg19) VCF-style: chr5-171752272-C-G.
Other names: c.*8G>C (NM_001308175.2).
Identifiers: ClinVar variation 3036134 (VCV003036134.2), dbSNP rs755449947, ClinGen allele CA3560871.
Genomic context (GRCh38, chr5:172,325,268, plus strand): 5'-CAAAAAAAAATACAGTAAAAGCAGTTTAGCAAATTCATGTTCACAGCAGCAAGGACATGA[C>G]GTGGTTCTCACATCTCCATGGAAGCTGCCACGTGCTTCCCAAGTGCTGTCCGCATCTTGA-3'

ClinVar aggregate classification (germline): Likely benign (0 of 4 stars; one submission).

Conditions:
SH3PXD2B-related disorder. Also called: SH3PXD2B-related condition.

Submission:

PreventionGenetics, part of Exact Sciences
Classification: Likely benign for SH3PXD2B-related condition. Last evaluated: 2020-06-05. Review status: no assertion criteria provided. Collection method: clinical testing. Allele origin: germline.
Comment: This variant is classified as likely benign based on ACMG/AMP sequence variant interpretation guidelines (Richards et al. 2015 PMID: 25741868, with internal and published modifications).